The following is an entry in ClinVar:

ClinVar aggregate classification (germline): Likely pathogenic (1 of 4 stars; one submission).

Submission:

ARUP Laboratories, Molecular Genetics and Genomics, ARUP Laboratories
Classification: Likely pathogenic. Last evaluated: 2025-01-21. Review status: criteria provided, single submitter. Criteria: ARUP Molecular Germline Variant Investigation Process 2024. Collection method: clinical testing. Allele origin: germline.
Comment: The EPHB4 c.1638del; p.Val547TrpfsTer57 variant, to our knowledge, is not reported in the medical literature or gene specific databases. This variant is also absent from the Genome Aggregation Database (v2.1.1), indicating it is not a common polymorphism. This variant causes a frameshift by deleting a single nucleotide, so it is predicted to result in a truncated protein or mRNA subject to nonsense-mediated decay. Based on available information, this variant is considered to be likely pathogenic.

NM_004444.5(EPHB4):c.1638del (p.Val547fs)

Gene: EPHB4 (EPH receptor B4; minus strand). Cytogenetic location: 7q22.1.
Variant type: Deletion.
Coding change: c.1638del on transcript NM_004444.5 (MANE Select); coding-DNA position 1638, one base deleted (C; older notation c.1638delC).
Protein change: p.Val547fs; shifts the reading frame from valine 547.
Molecular consequence: frameshift variant.
Genome position (GRCh38, 1-based): chr7:100,813,972, G deleted on the plus strand (C on the coding strand, the reverse complement: EPHB4 is on the minus strand). VCF-style (leftmost placement, unchanged base first): chr7-100813971-CG-C. GRCh37 (hg19) VCF-style: chr7-100411593-CG-C.
Other names: short protein forms V547fs.
Identifiers: ClinVar variation 4686072 (VCV004686072.1).